The following is an entry in ClinVar:

ClinVar aggregate classification (germline): Uncertain significance. Review status: criteria provided, multiple submitters, no conflicts (2 of 4 stars). 3 submissions from 3 submitters: Uncertain significance (3). Last evaluated 2025-04-09.

Conditions:
Hereditary cancer-predisposing syndrome. Also called: Neoplastic Syndromes, Hereditary; Tumor predisposition; Hereditary Cancer Syndrome; Hereditary neoplastic syndrome. Identifiers: Orphanet 140162, MedGen C0027672, MeSH D009386, MONDO:0015356.

Allele frequency attached by ClinVar (database versions not stated): gnomAD exomes below 0.00001; gnomAD 0.00001; TOPMed 0.00001.
gnomAD v4.1: 4 of 1,613,500 alleles (0.00025%); highest among the groups gnomAD compares: African/African-American, 0.004%; no homozygotes.

Submissions (3):

Ambry Genetics
Classification: Uncertain significance for Hereditary cancer-predisposing syndrome. Last evaluated: 2025-04-09. Review status: criteria provided, single submitter. Criteria: Ambry Variant Classification Scheme 2023. Collection method: clinical testing. Allele origin: germline.
Comment: The p.L2112P variant (also known as c.6335T>C), located in coding exon 46 of the POLE gene, results from a T to C substitution at nucleotide position 6335. The leucine at codon 2112 is replaced by proline, an amino acid with similar properties. This amino acid position is conserved. In addition, this alteration is predicted to be deleterious by in silico analysis. Based on the available evidence, the clinical significance of this variant remains unclear.

Labcorp Genetics (formerly Invitae), Labcorp
Classification: Uncertain significance. Last evaluated: 2024-04-09. Review status: criteria provided, single submitter. Criteria: Invitae Variant Classification Sherloc (09022015). Collection method: clinical testing. Allele origin: germline.
Comment: This sequence change replaces leucine, which is neutral and non-polar, with proline, which is neutral and non-polar, at codon 2112 of the POLE protein (p.Leu2112Pro). This variant is present in population databases (no rsID available, gnomAD 0.007%). This variant has not been reported in the literature in individuals affected with POLE-related conditions. ClinVar contains an entry for this variant (Variation ID: 639560). Advanced modeling of protein sequence and biophysical properties (such as structural, functional, and spatial information, amino acid conservation, physicochemical variation, residue mobility, and thermodynamic stability) performed at Invitae indicates that this missense variant is expected to disrupt POLE protein function with a positive predictive value of 80%. In summary, the available evidence is currently insufficient to determine the role of this variant in disease. Therefore, it has been classified as a Variant of Uncertain Significance.

GeneDx
Classification: Uncertain significance. Last evaluated: 2023-10-26. Review status: criteria provided, single submitter. Criteria: GeneDx Variant Classification Process June 2021. Collection method: clinical testing. Allele origin: germline. Affected: yes.
Comment: Not observed at significant frequency in large population cohorts (gnomAD); In silico analysis supports that this missense variant has a deleterious effect on protein structure/function; Has not been previously published as pathogenic or benign to our knowledge

NM_006231.4(POLE):c.6335T>C (p.Leu2112Pro)

Gene: POLE (DNA polymerase epsilon, catalytic subunit; minus strand). Cytogenetic location: 12q24.33.
Variant type: single nucleotide variant.
Coding change: c.6335T>C on transcript NM_006231.4 (MANE Select); coding-DNA position 6335, T replaced by C.
Protein change: p.Leu2112Pro; replaces leucine 2112 with proline.
Molecular consequence: missense variant.
Genome position (GRCh38, 1-based): chr12:132,626,313, A>G on the plus strand (T>C on the coding strand, the complement: POLE is on the minus strand). VCF-style: chr12-132626313-A-G. GRCh37 (hg19) VCF-style: chr12-133202899-A-G.
Other names: c.6335T>C (NM_006231.2); short protein forms L2112P.
Identifiers: ClinVar variation 639560 (VCV000639560.13), dbSNP rs1429053091, ClinGen allele CA387367912.